The following is an entry in ClinVar:

NM_004700.4(KCNQ4):c.689T>A (p.Val230Glu)

Gene: KCNQ4 (potassium voltage-gated channel subfamily Q member 4; plus strand). Cytogenetic location: 1p34.2.
Variant type: single nucleotide variant.
Coding change: c.689T>A on transcript NM_004700.4 (MANE Select); coding-DNA position 689, T replaced by A.
Protein change: p.Val230Glu; replaces valine 230 with glutamic acid.
Molecular consequence: missense variant.
Genome position (GRCh38, 1-based): chr1:40,818,661, T>A. VCF-style: chr1-40818661-T-A. GRCh37 (hg19) VCF-style: chr1-41284333-T-A.
Other names: c.689T>A, p.Val230Glu (NM_172163.3); short protein forms V230E.
Identifiers: ClinVar variation 208365 (VCV000208365.2), dbSNP rs797044965, ClinGen allele CA347371.

ClinVar aggregate classification (germline): Pathogenic (0 of 4 stars; one submission).

Conditions:
Autosomal dominant nonsyndromic hearing loss 2A. Also called: Autosomal dominant nonsyndromic deafness 2A; DFNA2 Nonsyndromic Hearing Loss; Deafness, autosomal dominant 2A. Identifiers: Orphanet 90635, MedGen C2677637, MONDO:0010817, OMIM 600101.

gnomAD v4.1: 2 of 1,604,554 alleles (0.00012%); highest among the groups gnomAD compares: Non-Finnish European, 0.00017%; no homozygotes.

Submission:

ClinVar Staff, National Center for Biotechnology Information (NCBI)
Classification: Pathogenic for Autosomal dominant nonsyndromic hearing loss 2A. Last evaluated: 2015-08-20. Review status: no assertion criteria provided. Collection method: literature only. Allele origin: germline. Affected: yes.
Comment: This variant used to be reported in GeneReviews NBK1209.

Literature cited by the submitters: PubMed 23717403; PubMed 20301388.